The following is an entry in ClinVar:

ClinVar aggregate classification (germline): Uncertain significance. Review status: criteria provided, multiple submitters, no conflicts (2 of 4 stars). 3 submissions from 3 submitters: Uncertain significance (3). Last evaluated 2023-10-13.

Conditions:
Developmental and epileptic encephalopathy, 18 (DEE18). Also called: Early infantile epileptic encephalopathy 18. Identifiers: Orphanet 369894, MedGen C3809624, MONDO:0014201, OMIM 615476.
Inborn genetic diseases. Identifiers: MedGen C0950123, MeSH D030342.

Allele frequency attached by ClinVar (database versions not stated): TOPMed below 0.00001; gnomAD 0.00001; gnomAD exomes 0.00001.
gnomAD v4.1: 4 of 1,614,016 alleles (0.00025%); highest among the groups gnomAD compares: South Asian, 0.0022%; no homozygotes.

Submissions (3):

Labcorp Genetics (formerly Invitae), Labcorp
Classification: Uncertain significance. Last evaluated: 2023-10-13. Review status: criteria provided, single submitter. Criteria: Invitae Variant Classification Sherloc (09022015). Collection method: clinical testing. Allele origin: germline.
Comment: This sequence change replaces arginine, which is basic and polar, with glutamine, which is neutral and polar, at codon 95 of the SZT2 protein (p.Arg95Gln). This variant is not present in population databases (gnomAD no frequency). This variant has not been reported in the literature in individuals affected with SZT2-related conditions. ClinVar contains an entry for this variant (Variation ID: 964534). Advanced modeling of protein sequence and biophysical properties (such as structural, functional, and spatial information, amino acid conservation, physicochemical variation, residue mobility, and thermodynamic stability) performed at Invitae indicates that this missense variant is expected to disrupt SZT2 protein function. Algorithms developed to predict the effect of sequence changes on RNA splicing suggest that this variant may disrupt the consensus splice site. In summary, the available evidence is currently insufficient to determine the role of this variant in disease. Therefore, it has been classified as a Variant of Uncertain Significance.

Genome-Nilou Lab
Classification: Uncertain significance for Developmental and epileptic encephalopathy, 18. Last evaluated: 2023-04-11. Review status: criteria provided, single submitter. Criteria: ACMG Guidelines, 2015. Collection method: clinical testing. Allele origin: germline. Affected: no.

Ambry Genetics
Classification: Uncertain significance for Inborn genetic diseases. Last evaluated: 2021-10-20. Review status: criteria provided, single submitter. Criteria: Ambry Variant Classification Scheme 2023. Collection method: clinical testing. Allele origin: germline.

NM_001365999.1(SZT2):c.284G>A (p.Arg95Gln)

Gene: SZT2 (SZT2 subunit of KICSTOR complex; plus strand). Cytogenetic location: 1p34.2.
Variant type: single nucleotide variant.
Coding change: c.284G>A on transcript NM_001365999.1 (MANE Select); coding-DNA position 284, G replaced by A.
Protein change: p.Arg95Gln; replaces arginine 95 with glutamine.
Molecular consequence: missense variant.
Genome position (GRCh38, 1-based): chr1:43,403,731, G>A. VCF-style: chr1-43403731-G-A. GRCh37 (hg19) VCF-style: chr1-43869402-G-A.
Other names: c.284G>A, p.Arg95Gln (NM_015284.4); short protein forms R95Q.
Identifiers: ClinVar variation 964534 (VCV000964534.11), dbSNP rs975533309, ClinGen allele CA21621392.